The following is an entry in ClinVar:

ClinVar aggregate classification (germline): Benign. Review status: criteria provided, single submitter (1 of 4 stars). 3 submissions from 1 submitter: Benign (3). Last evaluated 2018-01-13.

Conditions:
Insulin-resistant diabetes mellitus AND acanthosis nigricans. Also called: Insulin-resistance syndrome type A; INSULIN RECEPTOR, DEFECT IN, WITH INSULIN-RESISTANT DIABETES MELLITUS AND ACANTHOSIS NIGRICANS; IRAN, TYPE A; type A insulin resistance; DIABETES MELLITUS, INSULIN-RESISTANT, WITH ACANTHOSIS NIGRICANS, TYPE A. Identifiers: Orphanet 2297, MedGen C0342278, MONDO:0012520, OMIM 610549.
Rabson-Mendenhall syndrome. Also called: MENDENHALL SYNDROME; Pineal Hyperplasia, Insulin-Resistant Diabetes Mellitus, and Somatic Abnormalities; Pineal hyperplasia AND diabetes mellitus syndrome. Identifiers: Orphanet 769, MedGen C0271695, MONDO:0009874, OMIM 262190.
Leprechaunism syndrome. Also called: Donohue syndrome; LEPRECHAUNISM. Identifiers: Orphanet 508, MedGen C0265344, MONDO:0009517, OMIM 246200.

Allele frequency attached by ClinVar (database versions not stated): gnomAD 0.01117 and 0.01193; 1000 Genomes Project 0.01198; 1000 Genomes Project 30x 0.01218; TOPMed 0.01229.

Submissions (3):

Illumina Laboratory Services, Illumina
Classification: Benign for Rabson-Mendenhall syndrome. Last evaluated: 2018-01-13. Review status: criteria provided, single submitter. Criteria: ICSL Variant Classification Criteria 13 December 2019. Collection method: clinical testing. Allele origin: germline.
Comment: This variant was observed in the ICSL laboratory as part of a predisposition screen in an ostensibly healthy population. It had not been previously curated by ICSL or reported in the Human Gene Mutation Database (HGMD: prior to June 1st, 2018), and was therefore a candidate for classification through an automated scoring system. Utilizing variant allele frequency, disease prevalence and penetrance estimates, and inheritance mode, an automated score was calculated to assess if this variant is too frequent to cause the disease. Based on the score and internal cut-off values, a variant classified as benign is not then subjected to further curation. The score for this variant resulted in a classification of benign for this disease.

Illumina Laboratory Services, Illumina
Classification: Benign for Leprechaunism syndrome. Last evaluated: 2018-01-13. Review status: criteria provided, single submitter. Criteria: ICSL Variant Classification Criteria 13 December 2019. Collection method: clinical testing. Allele origin: germline.
Comment: the same text as in the submission from Illumina Laboratory Services, Illumina above.

Illumina Laboratory Services, Illumina
Classification: Benign for Insulin-resistant diabetes mellitus AND acanthosis nigricans. Last evaluated: 2018-01-13. Review status: criteria provided, single submitter. Criteria: ICSL Variant Classification Criteria 13 December 2019. Collection method: clinical testing. Allele origin: germline.
Comment: the same text as in the submission from Illumina Laboratory Services, Illumina above.

NM_000208.4(INSR):c.*2519G>A

Gene: INSR (insulin receptor; minus strand). Cytogenetic location: 19p13.2.
Variant type: single nucleotide variant.
Coding change: c.*2519G>A on transcript NM_000208.4 (MANE Select); 2519 bases downstream of the stop codon, G replaced by A.
Molecular consequence: 3 prime UTR variant.
Genome position (GRCh38, 1-based): chr19:7,114,537, C>T on the plus strand (G>A on the coding strand, the complement: INSR is on the minus strand). VCF-style: chr19-7114537-C-T. GRCh37 (hg19) VCF-style: chr19-7114548-C-T.
Other names: c.*2519G>A (NM_001079817.3).
Identifiers: ClinVar variation 330383 (VCV000330383.5), dbSNP rs114982195, ClinGen allele CA10649201.